The following is an entry in ClinVar:

NM_017654.4(SAMD9):c.2395G>T (p.Asp799Tyr)

Gene: SAMD9 (sterile alpha motif domain containing 9; minus strand). Cytogenetic location: 7q21.2.
Variant type: single nucleotide variant.
Coding change: c.2395G>T on transcript NM_017654.4 (MANE Select); coding-DNA position 2395, G replaced by T.
Protein change: p.Asp799Tyr; replaces aspartic acid 799 with tyrosine.
Molecular consequence: missense variant.
Genome position (GRCh38, 1-based): chr7:93,103,703, C>A on the plus strand (G>T on the coding strand, the complement: SAMD9 is on the minus strand). VCF-style: chr7-93103703-C-A. GRCh37 (hg19) VCF-style: chr7-92733016-C-A.
Other names: c.2395G>T, p.Asp799Tyr (NM_001193307.2); short protein forms D799Y.
Identifiers: ClinVar variation 4159141 (VCV004159141.1).

ClinVar aggregate classification (germline): Uncertain significance (1 of 4 stars; one submission).

Conditions:
Inborn genetic diseases. Identifiers: MedGen C0950123, MeSH D030342.

Submission:

Ambry Genetics
Classification: Uncertain significance for Inborn genetic diseases. Last evaluated: 2025-08-09. Review status: criteria provided, single submitter. Criteria: Ambry Variant Classification Scheme 2023. Collection method: clinical testing. Allele origin: germline.
Comment: The p.D799Y variant (also known as c.2395G>T), located in coding exon 1 of the SAMD9 gene, results from a G to T substitution at nucleotide position 2395. The aspartic acid at codon 799 is replaced by tyrosine, an amino acid with highly dissimilar properties. This amino acid position is conserved. In addition, this alteration is predicted to be deleterious by in silico analysis. Based on the available evidence, the clinical significance of this variant remains unclear.